The following is an entry in ClinVar:

ClinVar aggregate classification (germline): Uncertain significance (1 of 4 stars; one submission).

Conditions:
Autosomal recessive limb-girdle muscular dystrophy type 2A (LGMDR1). Also called: Limb-girdle muscular dystrophy, type 2A; Calpainopathy; Muscular dystrophy, limb-girdle, type 2A, Amish; LEYDEN-MOEBIUS MUSCULAR DYSTROPHY; MUSCULAR DYSTROPHY, PELVOFEMORAL. Identifiers: Orphanet 267, MedGen C1869123, MONDO:0009675, OMIM 253600. Disease mechanism: loss of function.

Submission:

Labcorp Genetics (formerly Invitae), Labcorp
Classification: Uncertain significance for Autosomal recessive limb-girdle muscular dystrophy type 2A. Last evaluated: 2020-08-29. Review status: criteria provided, single submitter. Criteria: Invitae Variant Classification Sherloc (09022015). Collection method: clinical testing. Allele origin: germline.
Comment: In summary, the available evidence is currently insufficient to determine the role of this variant in disease. Therefore, it has been classified as a Variant of Uncertain Significance. Algorithms developed to predict the effect of sequence changes on RNA splicing suggest that this variant may create or strengthen a splice site, but this prediction has not been confirmed by published transcriptional studies. This variant has not been reported in the literature in individuals with CAPN3-related conditions. This variant is not present in population databases (ExAC no frequency). This sequence change falls in intron 10 of the CAPN3 gene. It does not directly change the encoded amino acid sequence of the CAPN3 protein.

NM_000070.3(CAPN3):c.1354+8A>G

Gene: CAPN3 (calpain 3; plus strand). Cytogenetic location: 15q15.1.
Variant type: single nucleotide variant.
Coding change: c.1354+8A>G on transcript NM_000070.3 (MANE Select); 8 bases into the intron after coding-DNA position 1354, A replaced by G.
Molecular consequence: intron variant.
Genome position (GRCh38, 1-based): chr15:42,399,660, A>G. VCF-style: chr15-42399660-A-G. GRCh37 (hg19) VCF-style: chr15-42691858-A-G.
Other names: c.1354+8A>G (NM_024344.2); c.1210+8A>G (NM_173087.2).
Identifiers: ClinVar variation 1047423 (VCV001047423.9), dbSNP rs2053810204, ClinGen allele CA2172716721.